The following is an entry in ClinVar:

ClinVar aggregate classification (germline): Uncertain significance. Review status: criteria provided, multiple submitters, no conflicts (2 of 4 stars). 2 submissions from 2 submitters: Uncertain significance (2). Last evaluated 2025-07-30.

Conditions:
Hereditary cancer-predisposing syndrome. Also called: Tumor predisposition; Neoplastic Syndromes, Hereditary; Hereditary Cancer Syndrome; Hereditary neoplastic syndrome. Identifiers: Orphanet 140162, MedGen C0027672, MeSH D009386, MONDO:0015356.
Neurofibromatosis, type 2 (SWNV). Also called: NF2-Related Schwannomatosis; SCHWANNOMATOSIS, VESTIBULAR; BILATERAL ACOUSTIC NEUROFIBROMATOSIS. Identifiers: Orphanet 637, MedGen C0027832, MONDO:0007039, OMIM 101000. Disease mechanism: loss of function.

gnomAD v4.1: 1 of 1,614,200 alleles (0.000062%); highest among the groups gnomAD compares: East Asian, 0.0022%; no homozygotes.

Submissions (2):

Labcorp Genetics (formerly Invitae), Labcorp
Classification: Uncertain significance for Neurofibromatosis, type 2. Last evaluated: 2025-07-30. Review status: criteria provided, single submitter. Criteria: Invitae Variant Classification Sherloc (09022015). Collection method: clinical testing. Allele origin: germline.
Comment: This sequence change replaces arginine, which is basic and polar, with serine, which is neutral and polar, at codon 359 of the NF2 protein (p.Arg359Ser). This variant is not present in population databases (gnomAD no frequency). This variant has not been reported in the literature in individuals affected with NF2-related conditions. ClinVar contains an entry for this variant (Variation ID: 1785268). Invitae Evidence Modeling of protein sequence and biophysical properties (such as structural, functional, and spatial information, amino acid conservation, physicochemical variation, residue mobility, and thermodynamic stability) indicates that this missense variant is not expected to disrupt NF2 protein function with a negative predictive value of 80%. In summary, the available evidence is currently insufficient to determine the role of this variant in disease. Therefore, it has been classified as a Variant of Uncertain Significance.

Ambry Genetics
Classification: Uncertain significance for Hereditary cancer-predisposing syndrome. Last evaluated: 2022-02-15. Review status: criteria provided, single submitter. Criteria: Ambry Variant Classification Scheme 2023. Collection method: clinical testing. Allele origin: germline.
Comment: The p.R359S variant (also known as c.1077G>C), located in coding exon 11 of the NF2 gene, results from a G to C substitution at nucleotide position 1077. The arginine at codon 359 is replaced by serine, an amino acid with dissimilar properties. This amino acid position is conserved. In addition, this alteration is predicted to be deleterious by in silico analysis. Since supporting evidence is limited at this time, the clinical significance of this alteration remains unclear.

NM_000268.4(NF2):c.1077G>C (p.Arg359Ser)

Gene: NF2 (NF2, moesin-ezrin-radixin like (MERLIN) tumor suppressor; plus strand). Cytogenetic location: 22q12.2.
Variant type: single nucleotide variant.
Coding change: c.1077G>C on transcript NM_000268.4 (MANE Select); coding-DNA position 1077, G replaced by C.
Protein change: p.Arg359Ser; replaces arginine 359 with serine.
Molecular consequence: missense variant. On other transcripts: non-coding transcript variant (1), intron variant (1).
Genome position (GRCh38, 1-based): chr22:29,671,903, G>C. VCF-style: chr22-29671903-G-C. GRCh37 (hg19) VCF-style: chr22-30067892-G-C.
Other names: c.963G>C, p.Arg321Ser (NM_001407053.1, NM_001407056.1); c.954G>C, p.Arg318Ser (NM_001407054.1, NM_001407058.1, NM_181829.3); c.951G>C, p.Arg317Ser (NM_001407055.1, NM_181828.3); c.942G>C, p.Arg314Ser (NM_001407057.1, NM_001407059.1); c.1077G>C, p.Arg359Ser (NM_001407060.1, NM_001407066.1, NM_016418.5 and 2 more transcripts); c.819G>C, p.Arg273Ser (NM_001407062.1); c.828G>C, p.Arg276Ser (NM_001407063.1, NM_001407064.1, NM_181830.3 and 1 more transcripts); c.543G>C, p.Arg181Ser (NM_001407065.1); and 2 more; short protein forms R273S, R317S, R318S, R359S, R181S, R282S, R321S, R276S.
Identifiers: ClinVar variation 1785268 (VCV001785268.3), dbSNP rs878853923, ClinGen allele CA411147034.